The following is an entry in ClinVar:

ClinVar aggregate classification (germline): Pathogenic. Review status: criteria provided, multiple submitters, no conflicts (2 of 4 stars). 2 submissions from 2 submitters: Pathogenic (2). Last evaluated 2024-04-16.

Conditions:
Hereditary cancer-predisposing syndrome. Also called: Hereditary Cancer Syndrome; Hereditary neoplastic syndrome; Neoplastic Syndromes, Hereditary; Tumor predisposition. Identifiers: Orphanet 140162, MedGen C0027672, MeSH D009386, MONDO:0015356.
Hereditary breast ovarian cancer syndrome. Also called: Hereditary breast and ovarian cancer; BRCA1- and BRCA2-Associated Hereditary Breast and Ovarian Cancer; Hereditary breast and ovarian cancer syndrome (HBOC); Hereditary breast and ovarian cancer syndrome; Breast and ovarian cancer; Hereditary breast and/or ovarian cancer syndrome. Identifiers: Orphanet 145, MedGen C0677776, MeSH D061325, MONDO:0003582. Disease mechanism: loss of function.

Submissions (2):

Labcorp Genetics (formerly Invitae), Labcorp
Classification: Pathogenic for Hereditary breast ovarian cancer syndrome. Last evaluated: 2024-04-16. Review status: criteria provided, single submitter. Criteria: Invitae Variant Classification Sherloc (09022015). Collection method: clinical testing. Allele origin: germline.
Comment: This sequence change creates a premature translational stop signal (p.Leu310*) in the BRCA2 gene. It is expected to result in an absent or disrupted protein product. Loss-of-function variants in BRCA2 are known to be pathogenic (PMID: 20104584). This variant is not present in population databases (gnomAD no frequency). This variant has not been reported in the literature in individuals affected with BRCA2-related conditions. ClinVar contains an entry for this variant (Variation ID: 1766465). For these reasons, this variant has been classified as Pathogenic.

Ambry Genetics
Classification: Pathogenic for Hereditary cancer-predisposing syndrome. Last evaluated: 2022-09-27. Review status: criteria provided, single submitter. Criteria: Ambry Variant Classification Scheme 2023. Collection method: clinical testing. Allele origin: germline.
Comment: The p.L310* pathogenic mutation (also known as c.929T>A), located in coding exon 9 of the BRCA2 gene, results from a T to A substitution at nucleotide position 929. This changes the amino acid from a leucine to a stop codon within coding exon 9. This variant is considered to be rare based on population cohorts in the Genome Aggregation Database (gnomAD). This alteration is expected to result in loss of function by premature protein truncation or nonsense-mediated mRNA decay. As such, this alteration is interpreted as a disease-causing mutation.

Literature cited by the submitters: PubMed 20104584 (cited by Labcorp Genetics (formerly Invitae), Labcorp).

NM_000059.4(BRCA2):c.929T>A (p.Leu310Ter)

Gene: BRCA2 (BRCA2 DNA repair associated; plus strand). Cytogenetic location: 13q13.1.
Variant type: single nucleotide variant.
Coding change: c.929T>A on transcript NM_000059.4 (MANE Select); coding-DNA position 929, T replaced by A.
Protein change: p.Leu310Ter; replaces leucine 310 with a stop codon.
Molecular consequence: nonsense.
Genome position (GRCh38, 1-based): chr13:32,332,407, T>A. VCF-style: chr13-32332407-T-A. GRCh37 (hg19) VCF-style: chr13-32906544-T-A.
Other names: c.929T>A, p.Leu310Ter (NM_001406719.1, NM_001406720.1, NM_001406721.1); short protein forms L310*.
Identifiers: ClinVar variation 1766465 (VCV001766465.4), dbSNP rs2072400713, ClinGen allele CA387760764.